The following is an entry in ClinVar:

NM_005676.5(RBM10):c.2677C>T (p.Arg893Trp)

Gene: RBM10 (RNA binding motif protein 10; plus strand). Cytogenetic location: Xp11.3.
Variant type: single nucleotide variant.
Coding change: c.2677C>T on transcript NM_005676.5 (MANE Select); coding-DNA position 2677, C replaced by T.
Protein change: p.Arg893Trp; replaces arginine 893 with tryptophan.
Molecular consequence: missense variant.
Genome position (GRCh38, 1-based): chrX:47,186,483, C>T. VCF-style: chrX-47186483-C-T. GRCh37 (hg19) VCF-style: chrX-47045882-C-T.
Other names: c.2446C>T, p.Arg816Trp (NM_001204466.2); c.2674C>T, p.Arg892Trp (NM_001204467.2); c.2872C>T, p.Arg958Trp (NM_001204468.2); c.2443C>T, p.Arg815Trp (NM_152856.3); short protein forms R815W, R816W, R892W, R893W, R958W.
Identifiers: ClinVar variation 3025949 (VCV003025949.22), dbSNP rs1556782783, ClinGen allele CA412809934.

ClinVar aggregate classification (germline): Uncertain significance (1 of 4 stars; one submission).

Allele frequency attached by ClinVar (database versions not stated): gnomAD exomes below 0.00001.
gnomAD v4.1: 3 of 1,207,388 alleles (0.00025%); highest among the groups gnomAD compares: South Asian, 0.0018%; no homozygotes.

Submission:

CeGaT Center for Human Genetics Tuebingen
Classification: Uncertain significance. Last evaluated: 2023-12-01. Review status: criteria provided, single submitter. Criteria: CeGaT Center For Human Genetics Tuebingen Variant Classification Criteria Version 2. Collection method: clinical testing. Allele origin: germline. Affected: yes. Observed: 1 variant allele.
Comment: RBM10: PM2, PP2